The following is an entry in ClinVar:

NM_001065.4(TNFRSF1A):c.215G>A (p.Cys72Tyr)

Gene: TNFRSF1A (TNF receptor superfamily member 1A; minus strand). Cytogenetic location: 12p13.31.
Variant type: single nucleotide variant.
Coding change: c.215G>A on transcript NM_001065.4 (MANE Select); coding-DNA position 215, G replaced by A.
Protein change: p.Cys72Tyr; replaces cysteine 72 with tyrosine.
Molecular consequence: missense variant. On other transcripts: 5 prime UTR variant (2), non-coding transcript variant (1).
Genome position (GRCh38, 1-based): chr12:6,333,844, C>T on the plus strand (G>A on the coding strand, the complement: TNFRSF1A is on the minus strand). VCF-style: chr12-6333844-C-T. GRCh37 (hg19) VCF-style: chr12-6443010-C-T.
Other names: c.-110G>A (NM_001346091.2); c.-363G>A (NM_001346092.2); short protein forms C72Y.
Identifiers: ClinVar variation 97664 (VCV000097664.6), dbSNP rs104895252, ClinGen allele CA280751.

ClinVar aggregate classification (germline): Likely pathogenic. Review status: criteria provided, single submitter (1 of 4 stars). 2 submissions from 2 submitters: Likely pathogenic (1). 1 of the submissions does not count toward it. Last evaluated 2024-02-24.

Conditions:
TNF receptor-associated periodic fever syndrome (TRAPS) (FPF). Also called: Autosomal Dominant Familial Periodic Fever; TNF RECEPTOR-ASSOCIATED PERIODIC SYNDROME; TUMOR NECROSIS FACTOR RECEPTOR-ASSOCIATED PERIODIC SYNDROME; TNF Receptor-Associated Periodic Fever Syndrome; FAMILIAL HIBERNIAN FEVER; TNF receptor 1-associated periodic fever syndrome. Identifiers: Orphanet 32960, MedGen C1275126, MONDO:0007727, OMIM 142680.

Submissions (2):

Labcorp Genetics (formerly Invitae), Labcorp
Classification: Likely pathogenic for TNF receptor-associated periodic fever syndrome (TRAPS). Last evaluated: 2024-02-24. Review status: criteria provided, single submitter. Criteria: Invitae Variant Classification Sherloc (09022015). Collection method: clinical testing. Allele origin: germline.
Comment: This sequence change replaces cysteine, which is neutral and slightly polar, with tyrosine, which is neutral and polar, at codon 72 of the TNFRSF1A protein (p.Cys72Tyr). This variant is not present in population databases (gnomAD no frequency). This missense change has been observed in individuals with TNFRSF1A-related conditions (PMID: 23965844, 26598380, 33753323; Invitae). This variant is also known as p.Cys43Tyr. ClinVar contains an entry for this variant (Variation ID: 97664). Advanced modeling of protein sequence and biophysical properties (such as structural, functional, and spatial information, amino acid conservation, physicochemical variation, residue mobility, and thermodynamic stability) has been performed at Invitae for this missense variant, however the output from this modeling did not meet the statistical confidence thresholds required to predict the impact of this variant on TNFRSF1A protein function. This variant disrupts the p.Cys72 amino acid residue in TNFRSF1A. Other variant(s) that disrupt this residue have been observed in individuals with TNFRSF1A-related conditions (PMID: 15818692, 16684962), which suggests that this may be a clinically significant amino acid residue. In summary, the currently available evidence indicates that the variant is pathogenic, but additional data are needed to prove that conclusively. Therefore, this variant has been classified as Likely Pathogenic.

Unité médicale des maladies autoinflammatoires, CHRU Montpellier
No classification provided. Condition: TNF receptor-associated periodic fever syndrome (TRAPS). Review status: no classification provided. Collection method: not provided. Allele origin: unknown. Not counted in ClinVar's aggregate classification.

Literature cited by the submitters: PubMed 23965844 (cited by Labcorp Genetics (formerly Invitae), Labcorp); PubMed 26598380 (cited by Labcorp Genetics (formerly Invitae), Labcorp); PubMed 33753323 (cited by Labcorp Genetics (formerly Invitae), Labcorp); PubMed 15818692 (cited by Labcorp Genetics (formerly Invitae), Labcorp); PubMed 16684962 (cited by Labcorp Genetics (formerly Invitae), Labcorp).